The following is an entry in ClinVar:

ClinVar aggregate classification (germline): Uncertain significance. Review status: criteria provided, multiple submitters, no conflicts (2 of 4 stars). 2 submissions from 2 submitters: Uncertain significance (2). Last evaluated 2025-10-21.

Conditions:
Inborn genetic diseases. Identifiers: MedGen C0950123, MeSH D030342.
Hajdu-Cheney syndrome (HJCYS). Also called: SERPENTINE FIBULA-POLYCYSTIC KIDNEY SYNDROME; Acroosteolysis dominant type; ACROOSTEOLYSIS WITH OSTEOPOROSIS AND CHANGES IN SKULL AND MANDIBLE. Identifiers: Orphanet 955, MedGen C0917715, MONDO:0007057, OMIM 102500.

Allele frequency attached by ClinVar (database versions not stated): TOPMed 0.00001; ExAC 0.00002; gnomAD 0.00002; gnomAD exomes 0.00002 and 0.00003.
gnomAD v4.1: 25 of 1,614,090 alleles (0.0015%); highest among the groups gnomAD compares: Non-Finnish European, 0.002%; no homozygotes.

Submissions (2):

Labcorp Genetics (formerly Invitae), Labcorp
Classification: Uncertain significance for Hajdu-Cheney syndrome. Last evaluated: 2025-10-21. Review status: criteria provided, single submitter. Criteria: Invitae Variant Classification Sherloc (09022015). Collection method: clinical testing. Allele origin: germline.
Comment: This sequence change replaces asparagine, which is neutral and polar, with serine, which is neutral and polar, at codon 1485 of the NOTCH2 protein (p.Asn1485Ser). This variant is present in population databases (rs771682706, gnomAD 0.007%). This variant has not been reported in the literature in individuals affected with NOTCH2-related conditions. ClinVar contains an entry for this variant (Variation ID: 1523630). Invitae Evidence Modeling of protein sequence and biophysical properties (such as structural, functional, and spatial information, amino acid conservation, physicochemical variation, residue mobility, and thermodynamic stability) has been performed for this missense variant. However, the output from this modeling did not meet the statistical confidence thresholds required to predict the impact of this variant on NOTCH2 protein function. In summary, the available evidence is currently insufficient to determine the role of this variant in disease. Therefore, it has been classified as a Variant of Uncertain Significance.

Ambry Genetics
Classification: Uncertain significance for Inborn genetic diseases. Last evaluated: 2022-10-07. Review status: criteria provided, single submitter. Criteria: Ambry Variant Classification Scheme 2023. Collection method: clinical testing. Allele origin: germline.

NM_024408.4(NOTCH2):c.4454A>G (p.Asn1485Ser)

Gene: NOTCH2 (notch receptor 2; minus strand). Cytogenetic location: 1p12.
Variant type: single nucleotide variant.
Coding change: c.4454A>G on transcript NM_024408.4 (MANE Select); coding-DNA position 4454, A replaced by G.
Protein change: p.Asn1485Ser; replaces asparagine 1485 with serine.
Molecular consequence: missense variant.
Genome position (GRCh38, 1-based): chr1:119,925,362, T>C on the plus strand (A>G on the coding strand, the complement: NOTCH2 is on the minus strand). VCF-style: chr1-119925362-T-C. GRCh37 (hg19) VCF-style: chr1-120467985-T-C.
Other names: c.4454A>G (NM_024408.3); short protein forms N1485S.
Identifiers: ClinVar variation 1523630 (VCV001523630.9), dbSNP rs771682706, ClinGen allele CA1039862.
Genomic context (GRCh38, chr1:119,925,362, plus strand): 5'-TACTTGCATGTCTTGCTGTTCCCCTGGCATTCAAAGTTGTCAAACAGGCACTCGACCGTG[T>C]TGCACAGCTCATCACACTGGTTGTTGATATAATCCCAGCAGGGAAGTGGGGAGGAGCAGT-3'
Protein context (NP_077719.2, residues 1475-1495): YINNQCDELC[Asn1485Ser]TVECLFDNFE